The following is an entry in ClinVar:

NM_001080449.3(DNA2):c.1561A>G (p.Ser521Gly)

Gene: DNA2 (DNA replication helicase/nuclease 2; minus strand). Cytogenetic location: 10q21.3.
Variant type: single nucleotide variant.
Coding change: c.1561A>G on transcript NM_001080449.3 (MANE Select); coding-DNA position 1561, A replaced by G.
Protein change: p.Ser521Gly; replaces serine 521 with glycine.
Molecular consequence: missense variant. On other transcripts: non-coding transcript variant (1).
Genome position (GRCh38, 1-based): chr10:68,437,096, T>C on the plus strand (A>G on the coding strand, the complement: DNA2 is on the minus strand). VCF-style: chr10-68437096-T-C. GRCh37 (hg19) VCF-style: chr10-70196853-T-C.
Other names: short protein forms S521G.
Identifiers: ClinVar variation 1354170 (VCV001354170.6), dbSNP rs2133386619, ClinGen allele CA376859993.

ClinVar aggregate classification (germline): Uncertain significance (1 of 4 stars; one submission).

Submission:

Labcorp Genetics (formerly Invitae), Labcorp
Classification: Uncertain significance. Last evaluated: 2025-06-20. Review status: criteria provided, single submitter. Criteria: Invitae Variant Classification Sherloc (09022015). Collection method: clinical testing. Allele origin: germline.
Comment: This sequence change replaces serine, which is neutral and polar, with glycine, which is neutral and non-polar, at codon 521 of the DNA2 protein (p.Ser521Gly). This variant is not present in population databases (gnomAD no frequency). This variant has not been reported in the literature in individuals affected with DNA2-related conditions. ClinVar contains an entry for this variant (Variation ID: 1354170). Invitae Evidence Modeling of protein sequence and biophysical properties (such as structural, functional, and spatial information, amino acid conservation, physicochemical variation, residue mobility, and thermodynamic stability) indicates that this missense variant is expected to disrupt DNA2 protein function with a positive predictive value of 80%. In summary, the available evidence is currently insufficient to determine the role of this variant in disease. Therefore, it has been classified as a Variant of Uncertain Significance.